The following is an entry in ClinVar:

ClinVar aggregate classification (germline): Uncertain significance (1 of 4 stars; one submission).

gnomAD v4.1: 3 of 1,610,974 alleles (0.00019%); highest among the groups gnomAD compares: East Asian, 0.0067%; no homozygotes.

Submission:

GeneDx
Classification: Uncertain significance. Last evaluated: 2024-03-27. Review status: criteria provided, single submitter. Criteria: GeneDx Variant Classification Process June 2021. Collection method: clinical testing. Allele origin: germline. Affected: yes.
Comment: In silico analysis supports that this missense variant has a deleterious effect on protein structure/function; Has not been previously published as pathogenic or benign to our knowledge

NM_002473.6(MYH9):c.2662C>G (p.Gln888Glu)

Genes: MYH9 (myosin heavy chain 9; minus strand), LOC126863137 (CDK7 strongly-dependent group 2 enhancer GRCh37_chr22:36696002-36697201; plus strand). Cytogenetic location: 22q12.3.
Variant type: single nucleotide variant.
Coding change: c.2662C>G on transcript NM_002473.6 (MANE Select); coding-DNA position 2662, C replaced by G.
Protein change: p.Gln888Glu; replaces glutamine 888 with glutamic acid.
Molecular consequence: missense variant.
Genome position (GRCh38, 1-based): chr22:36,301,027, G>C on the plus strand (C>G on the coding strand, the complement: MYH9 is on the minus strand). VCF-style: chr22-36301027-G-C. GRCh37 (hg19) VCF-style: chr22-36697073-G-C.
Other names: short protein forms Q888E.
Identifiers: ClinVar variation 3371273 (VCV003371273.1).